The following is an entry in ClinVar:

ClinVar aggregate classification (germline): Likely benign (0 of 4 stars; one submission).

Conditions:
DNAH2-related disorder. Also called: DNAH2-related condition.

Allele frequency attached by ClinVar (database versions not stated): TOPMed 0.00003; gnomAD 0.00013; ExAC 0.00035; 1000 Genomes Project 30x 0.00062; 1000 Genomes Project 0.00080.
gnomAD v4.1: 243 of 1,561,726 alleles (0.016%); highest among the groups gnomAD compares: South Asian, 0.26%; 3 homozygotes.

Submission:

PreventionGenetics, part of Exact Sciences
Classification: Likely benign for DNAH2-related condition. Last evaluated: 2019-05-20. Review status: no assertion criteria provided. Collection method: clinical testing. Allele origin: germline.
Comment: This variant is classified as likely benign based on ACMG/AMP sequence variant interpretation guidelines (Richards et al. 2015 PMID: 25741868, with internal and published modifications).

NM_020877.5(DNAH2):c.11496C>G (p.Thr3832=)

Gene: DNAH2 (dynein axonemal heavy chain 2; plus strand). Cytogenetic location: 17p13.1.
Variant type: single nucleotide variant.
Coding change: c.11496C>G on transcript NM_020877.5 (MANE Select); coding-DNA position 11496, C replaced by G.
Protein change: p.Thr3832=; no amino-acid change (threonine 3832 retained).
Molecular consequence: synonymous variant.
Genome position (GRCh38, 1-based): chr17:7,824,138, C>G. VCF-style: chr17-7824138-C-G. GRCh37 (hg19) VCF-style: chr17-7727456-C-G.
Identifiers: ClinVar variation 3039116 (VCV003039116.2), dbSNP rs578181249, ClinGen allele CA8359492.
Genomic context (GRCh38, chr17:7,824,138, plus strand): 5'-TCATGTGGCCTTCTGCCTGATGCTATACCTGTGCTTCTGGCAGGTGCTGGAGGATTCAAC[C>G]CCACGATCCCCACTCGTGTTCATCCTGTCCCCTGGTGTGGACCCCACCAGTGCCCTGCTG-3'
Protein context (NP_065928.2, residues 3822-3842): LNMKSVLEDS[Thr3832=]PRSPLVFILS